The following is an entry in ClinVar:

ClinVar aggregate classification (germline): Uncertain significance (1 of 4 stars; one submission).

Submission:

Labcorp Genetics (formerly Invitae), Labcorp
Classification: Uncertain significance. Last evaluated: 2022-05-07. Review status: criteria provided, single submitter. Criteria: Invitae Variant Classification Sherloc (09022015). Collection method: clinical testing. Allele origin: germline.
Comment: This sequence change replaces threonine, which is neutral and polar, with lysine, which is basic and polar, at codon 85 of the FH protein (p.Thr85Lys). This variant is not present in population databases (gnomAD no frequency). This variant has not been reported in the literature in individuals affected with FH-related conditions. Advanced modeling of protein sequence and biophysical properties (such as structural, functional, and spatial information, amino acid conservation, physicochemical variation, residue mobility, and thermodynamic stability) performed at Invitae indicates that this missense variant is not expected to disrupt FH protein function. In summary, the available evidence is currently insufficient to determine the role of this variant in disease. Therefore, it has been classified as a Variant of Uncertain Significance.

NM_000143.4(FH):c.254C>A (p.Thr85Lys)

Gene: FH (fumarate hydratase; minus strand). Cytogenetic location: 1q43.
Variant type: single nucleotide variant.
Coding change: c.254C>A on transcript NM_000143.4 (MANE Select); coding-DNA position 254, C replaced by A.
Protein change: p.Thr85Lys; replaces threonine 85 with lysine.
Molecular consequence: missense variant.
Genome position (GRCh38, 1-based): chr1:241,517,195, G>T on the plus strand (C>A on the coding strand, the complement: FH is on the minus strand). VCF-style: chr1-241517195-G-T. GRCh37 (hg19) VCF-style: chr1-241680495-G-T.
Other names: short protein forms T85K.
Identifiers: ClinVar variation 2124512 (VCV002124512.1), dbSNP rs1324632356, ClinGen allele CA345441659.
Genomic context (GRCh38, chr1:241,517,195, plus strand): 5'-AGCCTACTTCATCCAAAATAGCCAACATTTCCACAAATGCCACTTACTGGCATGCGTTCT[G>T]TCACACCTCCAATCTTAAAGTTCATCGTAGATCTCACGGTCTGGGCGCCATAATACTTAT-3'
Protein context (NP_000134.2, residues 75-95): STMNFKIGGV[Thr85Lys]ERMPTPVIKA